The following is an entry in ClinVar:

NM_002016.2(FLG):c.2589G>C (p.Arg863Ser)

Genes: CCDST (cervical cancer associated DHX9 suppressive transcript; plus strand), FLG (filaggrin; minus strand). Cytogenetic location: 1q21.3.
Variant type: single nucleotide variant.
Coding change: c.2589G>C on transcript NM_002016.2 (MANE Select); coding-DNA position 2589, G replaced by C.
Protein change: p.Arg863Ser; replaces arginine 863 with serine.
Molecular consequence: missense variant.
Genome position (GRCh38, 1-based): chr1:152,312,297, C>G on the plus strand (G>C on the coding strand, the complement: FLG is on the minus strand). VCF-style: chr1-152312297-C-G. GRCh37 (hg19) VCF-style: chr1-152284773-C-G.
Other names: c.2589G>C (NM_002016.1); short protein forms R863S.
Identifiers: ClinVar variation 1206251 (VCV001206251.7), dbSNP rs149855516, ClinGen allele CA1107089.

ClinVar aggregate classification (germline): Likely benign. Review status: criteria provided, multiple submitters, no conflicts (2 of 4 stars). 6 submissions from 6 submitters: Likely benign (3). 3 of the submissions do not count toward it. Last evaluated 2026-07-01.

Conditions:
FLG-related disorder. Also called: FLG-related disorders; FLG-related condition.

Allele frequency attached by ClinVar (database versions not stated): ESP Exome Variant Server 0.00269; 1000 Genomes Project 30x 0.00281; 1000 Genomes Project 0.00300.
gnomAD v4.1: 1,176 of 1,613,460 alleles (0.073%); highest among the groups gnomAD compares: African/African-American, 0.79%; 6 homozygotes.

Submissions (6):

CeGaT Center for Human Genetics Tuebingen
Classification: Likely benign. Last evaluated: 2026-07-01. Review status: criteria provided, single submitter. Criteria: CeGaT Center For Human Genetics Tuebingen Variant Classification Criteria Version 2. Collection method: clinical testing. Allele origin: germline. Affected: yes. Observed: 1 variant allele.
Comment: FLG: BP4

Blueprint Genetics
Classification: Likely benign. Last evaluated: 2024-11-07. Review status: criteria provided, single submitter. Criteria: ACMG Guidelines, 2015. Collection method: clinical testing. Allele origin: germline.

Breakthrough Genomics
Classification: Likely benign. Review status: criteria provided, single submitter. Criteria: ACMG Guidelines, 2015. Collection method: not provided. Allele origin: germline. Inheritance: Autosomal dominant inheritance. Affected: yes.

PreventionGenetics, part of Exact Sciences
Classification: Likely benign for FLG-related condition. Last evaluated: 2019-11-26. Review status: no assertion criteria provided. Collection method: clinical testing. Allele origin: germline. Not counted in ClinVar's aggregate classification.
Comment: This variant is classified as likely benign based on ACMG/AMP sequence variant interpretation guidelines (Richards et al. 2015 PMID: 25741868, with internal and published modifications).

Clinical Genetics DNA and cytogenetics Diagnostics Lab, Erasmus MC, Erasmus Medical Center
Classification: Likely benign. Review status: no assertion criteria provided. Collection method: clinical testing. Allele origin: germline. Affected: yes. Study: VKGL Data-share Consensus. Not counted in ClinVar's aggregate classification.

Laboratory of Diagnostic Genome Analysis, Leiden University Medical Center (LUMC)
Classification: Likely benign. Review status: no assertion criteria provided. Collection method: clinical testing. Allele origin: germline. Affected: yes. Study: VKGL Data-share Consensus. Not counted in ClinVar's aggregate classification.